The following is an entry in ClinVar:

NM_002838.5(PTPRC):c.2499A>G (p.Lys833=)

Gene: PTPRC (protein tyrosine phosphatase receptor type C; plus strand). Cytogenetic location: 1q32.1.
Variant type: single nucleotide variant.
Coding change: c.2499A>G on transcript NM_002838.5 (MANE Select); coding-DNA position 2499, A replaced by G.
Protein change: p.Lys833=; no amino-acid change (lysine 833 retained).
Molecular consequence: synonymous variant.
Genome position (GRCh38, 1-based): chr1:198,741,964, A>G. VCF-style: chr1-198741964-A-G. GRCh37 (hg19) VCF-style: chr1-198711093-A-G.
Other names: c.2016A>G, p.Lys672= (NM_080921.4).
Identifiers: ClinVar variation 1442173 (VCV001442173.10), dbSNP rs975797535, ClinGen allele CA35908628.

ClinVar aggregate classification (germline): Likely benign. Review status: criteria provided, multiple submitters, no conflicts (2 of 4 stars). 2 submissions from 2 submitters: Likely benign (2). Last evaluated 2026-04-01.

Conditions:
Immunodeficiency 104. Also called: Severe Combined Immune Deficiency, Autosomal Recessive, TCell -Negative, B Cell-Positive, NK Cell-Positive, IL7R-Related; Severe combined immunodeficiency, autosomal recessive, T cell-negative, B cell-positive, NK cell-positive; IMMUNODEFICIENCY 104, SEVERE COMBINED; SCID, AUTOSOMAL RECESSIVE, T CELL-NEGATIVE, B CELL-POSITIVE, NK CELL-POSITIVE. Identifiers: MedGen C5676890, MONDO:0012163, OMIM 608971.

Allele frequency attached by ClinVar (database versions not stated): gnomAD exomes 0.00001; TOPMed 0.00001; gnomAD 0.00001.
gnomAD v4.1: 21 of 1,612,040 alleles (0.0013%); highest among the groups gnomAD compares: African/African-American, 0.012%; no homozygotes.

Submissions (2):

CeGaT Center for Human Genetics Tuebingen
Classification: Likely benign. Last evaluated: 2026-04-01. Review status: criteria provided, single submitter. Criteria: CeGaT Center For Human Genetics Tuebingen Variant Classification Criteria Version 2. Collection method: clinical testing. Allele origin: germline. Affected: yes. Observed: 1 variant allele.
Comment: PTPRC: BP4, BP7

Labcorp Genetics (formerly Invitae), Labcorp
Classification: Likely benign for Immunodeficiency 104. Last evaluated: 2025-12-13. Review status: criteria provided, single submitter. Criteria: Invitae Variant Classification Sherloc (09022015). Collection method: clinical testing. Allele origin: germline.